The following is an entry in ClinVar:

NM_000543.5(SMPD1):c.1771C>T (p.Arg591Cys)

Gene: SMPD1 (sphingomyelin phosphodiesterase 1; plus strand). Cytogenetic location: 11p15.4.
Variant type: single nucleotide variant.
Coding change: c.1771C>T on transcript NM_000543.5 (MANE Select); coding-DNA position 1771, C replaced by T.
Protein change: p.Arg591Cys; replaces arginine 591 with cysteine.
Molecular consequence: missense variant. On other transcripts: 3 prime UTR variant (1), non-coding transcript variant (2).
Genome position (GRCh38, 1-based): chr11:6,394,482, C>T. VCF-style: chr11-6394482-C-T. GRCh37 (hg19) VCF-style: chr11-6415712-C-T.
Other names: c.1768C>T, p.Arg590Cys (NM_001007593.3); c.*264C>T (NM_001318087.2); c.850C>T, p.Arg284Cys (NM_001318088.2); c.1639C>T, p.Arg547Cys (NM_001365135.2); short protein forms R591C, R284C, R547C, R590C.
Identifiers: ClinVar variation 550895 (VCV000550895.7), dbSNP rs375570126, ClinGen allele CA5852987.
Genomic context (GRCh38, chr11:6,394,482, plus strand): 5'-ACCTTCTGGTTTCTCTACCATAAGGGCCACCCACCCTCGGAGCCCTGTGGCACGCCCTGC[C>T]GTCTGGCTACTCTTTGTGCCCAGCTCTCTGCCCGTGCTGACAGCCCTGCTCTGTGCCGCC-3'
Protein context (NP_000534.3, residues 581-601): PPSEPCGTPC[Arg591Cys]LATLCAQLSA

ClinVar aggregate classification (germline): Uncertain significance. Review status: criteria provided, multiple submitters, no conflicts (2 of 4 stars). 5 submissions from 5 submitters: Uncertain significance (4). 1 of the submissions does not count toward it. Last evaluated 2022-04-27.

Conditions:
Inborn genetic diseases. Identifiers: MedGen C0950123, MeSH D030342.
Niemann-Pick disease, type B. Also called: Chronic Visceral ASMD (Niemann-Pick Disease Type B; NPD-B). Identifiers: Orphanet 77293, MedGen C0268243, MONDO:0011871, OMIM 607616. Disease mechanism: loss of function.
Niemann-Pick disease, type A. Also called: SPHINGOMYELIN LIPIDOSIS; SPHINGOMYELINASE DEFICIENCY; Infantile Neurovisceral ASMD (Niemann-Pick Disease Type A; NPD-A). Identifiers: Orphanet 77292, MedGen C0268242, MONDO:0009756, OMIM 257200. Disease mechanism: loss of function.

Allele frequency attached by ClinVar (database versions not stated): ExAC 0.00001; gnomAD exomes 0.00001; gnomAD 0.00004; ESP Exome Variant Server 0.00008; TOPMed 0.00008.
gnomAD v4.1: 21 of 1,613,780 alleles (0.0013%); highest among the groups gnomAD compares: African/African-American, 0.008%; no homozygotes.

Submissions (5):

Blueprint Genetics
Classification: Uncertain significance. Last evaluated: 2022-04-27. Review status: criteria provided, single submitter. Criteria: ACMG Guidelines, 2015. Collection method: clinical testing. Allele origin: germline.

Fulgent Genetics
Classification: Uncertain significance for Niemann-Pick disease, type A; Niemann-Pick disease, type B. Last evaluated: 2022-01-14. Review status: criteria provided, single submitter. Criteria: ACMG Guidelines, 2015. Collection method: clinical testing. Allele origin: unknown.

Labcorp Genetics (formerly Invitae), Labcorp
Classification: Uncertain significance for Niemann-Pick disease, type B; Niemann-Pick disease, type A. Last evaluated: 2021-09-17. Review status: criteria provided, single submitter. Criteria: Invitae Variant Classification Sherloc (09022015). Collection method: clinical testing. Allele origin: germline.
Comment: This sequence change replaces arginine with cysteine at codon 591 of the SMPD1 protein (p.Arg591Cys). The arginine residue is moderately conserved and there is a large physicochemical difference between arginine and cysteine. This variant is present in population databases (rs375570126, ExAC 0.002%). This variant has not been reported in the literature in individuals affected with SMPD1-related conditions. ClinVar contains an entry for this variant (Variation ID: 550895). Advanced modeling of protein sequence and biophysical properties (such as structural, functional, and spatial information, amino acid conservation, physicochemical variation, residue mobility, and thermodynamic stability) performed at Invitae indicates that this missense variant is expected to disrupt SMPD1 protein function. In summary, the available evidence is currently insufficient to determine the role of this variant in disease. Therefore, it has been classified as a Variant of Uncertain Significance.

Ambry Genetics
Classification: Uncertain significance for Inborn genetic diseases. Last evaluated: 2021-09-02. Review status: criteria provided, single submitter. Criteria: Ambry Variant Classification Scheme 2023. Collection method: clinical testing. Allele origin: germline.

Counsyl
Classification: Uncertain significance for Niemann-Pick disease, type A. Last evaluated: 2017-03-01. Review status: no assertion criteria provided. Collection method: clinical testing. Allele origin: unknown. Not counted in ClinVar's aggregate classification.

Literature cited by the submitters: PubMed 23871123 (cited by Ambry Genetics and Counsyl); PubMed 26550340 (cited by Counsyl).